The following is an entry in ClinVar:

NM_006035.4(CDC42BPB):c.5028C>T (p.His1676=)

Gene: CDC42BPB (CDC42 binding protein kinase beta; minus strand). Cytogenetic location: 14q32.32.
Variant type: single nucleotide variant.
Coding change: c.5028C>T on transcript NM_006035.4 (MANE Select); coding-DNA position 5028, C replaced by T.
Protein change: p.His1676=; no amino-acid change (histidine 1676 retained).
Molecular consequence: synonymous variant.
Genome position (GRCh38, 1-based): chr14:102,933,820, G>A on the plus strand (C>T on the coding strand, the complement: CDC42BPB is on the minus strand). VCF-style: chr14-102933820-G-A. GRCh37 (hg19) VCF-style: chr14-103400157-G-A.
Other names: c.4950C>T, p.His1650= (NM_001411054.1).
Identifiers: ClinVar variation 4821601 (VCV004821601.4).
Genomic context (GRCh38, chr14:102,933,820, plus strand): 5'-CCTGTGGGGGGAGTTGGGGCTCGGTGGGCCGCTGGGGTTGGAGCTATTCGATGGAGTTGA[G>A]TGTTTGGTGGAGTCCGAATCAGGCTGTGAACAGGAAGAGGGCAGGGTGAGCACCCGCTGC-3'
Protein context (NP_006026.3, residues 1666-1686): DKEPDSDSTK[His1676=]STPSNSSNPS

ClinVar aggregate classification (germline): Likely benign (1 of 4 stars; one submission).

gnomAD v4.1: 230 of 1,521,140 alleles (0.015%); highest among the groups gnomAD compares: Admixed American, 0.54%; 2 homozygotes.

Submission:

CeGaT Center for Human Genetics Tuebingen
Classification: Likely benign. Last evaluated: 2026-09-01. Review status: criteria provided, single submitter. Criteria: CeGaT Center For Human Genetics Tuebingen Variant Classification Criteria Version 2. Collection method: clinical testing. Allele origin: germline. Affected: yes. Observed: 7 variant alleles.
Comment: CDC42BPB: BP4, BP7